The following is an entry in ClinVar:

NM_000368.5(TSC1):c.3309G>C (p.Gln1103His)

Gene: TSC1 (TSC complex subunit 1; minus strand). Cytogenetic location: 9q34.13.
Variant type: single nucleotide variant.
Coding change: c.3309G>C on transcript NM_000368.5 (MANE Select); coding-DNA position 3309, G replaced by C.
Protein change: p.Gln1103His; replaces glutamine 1103 with histidine.
Molecular consequence: missense variant.
Genome position (GRCh38, 1-based): chr9:132,896,421, C>G on the plus strand (G>C on the coding strand, the complement: TSC1 is on the minus strand). VCF-style: chr9-132896421-C-G. GRCh37 (hg19) VCF-style: chr9-135771808-C-G.
Other names: c.3306G>C, p.Gln1102His (NM_001162426.2); c.3156G>C, p.Gln1052His (NM_001162427.2); c.2946G>C, p.Gln982His (NM_001362177.2); short protein forms Q1103H, Q1102H, Q1052H, Q982H.
Identifiers: ClinVar variation 486595 (VCV000486595.14), dbSNP rs1474184918, ClinGen allele CA375366652.
Genomic context (GRCh38, chr9:132,896,421, plus strand): 5'-TTTGCCCAGTTCTGTCTTTAGGCTCTCAGAAAGGCTACTGGTCATGCCGTCCTCATCACA[C>G]TGGCTCTCGCTCTTATTACGAAATAACTCTCGAGCCTTCATACCCAGGAAGCTTTTTGAA-3'
Protein context (NP_000359.1, residues 1093-1113): RELFRNKSES[Gln1103His]CDEDGMTSSL

ClinVar aggregate classification (germline): Uncertain significance. Review status: criteria provided, multiple submitters, no conflicts (2 of 4 stars). 2 submissions from 2 submitters: Uncertain significance (2). Last evaluated 2024-05-31.

Conditions:
Hereditary cancer-predisposing syndrome. Also called: Tumor predisposition; Neoplastic Syndromes, Hereditary; Hereditary Cancer Syndrome; Hereditary neoplastic syndrome. Identifiers: Orphanet 140162, MedGen C0027672, MeSH D009386, MONDO:0015356.
Tuberous sclerosis 1 (TSC1). Identifiers: Orphanet 805, MedGen C1854465, MONDO:0008612, OMIM 191100.

Submissions (2):

Ambry Genetics
Classification: Uncertain significance for Hereditary cancer-predisposing syndrome. Last evaluated: 2024-05-31. Review status: criteria provided, single submitter. Criteria: Ambry Variant Classification Scheme 2023. Collection method: clinical testing. Allele origin: germline.
Comment: The p.Q1103H variant (also known as c.3309G>C), located in coding exon 21 of the TSC1 gene, results from a G to C substitution at nucleotide position 3309. The glutamine at codon 1103 is replaced by histidine, an amino acid with highly similar properties. This amino acid position is well conserved in available vertebrate species. In addition, the in silico prediction for this alteration is inconclusive. Based on the available evidence, the clinical significance of this variant remains unclear.

Labcorp Genetics (formerly Invitae), Labcorp
Classification: Uncertain significance for Tuberous sclerosis 1. Last evaluated: 2021-04-05. Review status: criteria provided, single submitter. Criteria: Invitae Variant Classification Sherloc (09022015). Collection method: clinical testing. Allele origin: germline.
Comment: This sequence change replaces glutamine with histidine at codon 1103 of the TSC1 protein (p.Gln1103His). The glutamine residue is moderately conserved and there is a small physicochemical difference between glutamine and histidine. This variant is not present in population databases (ExAC no frequency). This variant has not been reported in the literature in individuals with TSC1-related conditions. ClinVar contains an entry for this variant (Variation ID: 486595). Algorithms developed to predict the effect of missense changes on protein structure and function (SIFT, PolyPhen-2, Align-GVGD) all suggest that this variant is likely to be tolerated, but these predictions have not been confirmed by published functional studies and their clinical significance is uncertain. In summary, the available evidence is currently insufficient to determine the role of this variant in disease. Therefore, it has been classified as a Variant of Uncertain Significance.